The following is an entry in ClinVar:

NM_001999.4(FBN2):c.1253T>C (p.Met418Thr)

Gene: FBN2 (fibrillin 2; minus strand). Cytogenetic location: 5q23.3.
Variant type: single nucleotide variant.
Coding change: c.1253T>C on transcript NM_001999.4 (MANE Select); coding-DNA position 1253, T replaced by C.
Protein change: p.Met418Thr; replaces methionine 418 with threonine.
Molecular consequence: missense variant.
Genome position (GRCh38, 1-based): chr5:128,393,347, A>G on the plus strand (T>C on the coding strand, the complement: FBN2 is on the minus strand). VCF-style: chr5-128393347-A-G. GRCh37 (hg19) VCF-style: chr5-127729040-A-G.
Other names: short protein forms M418T.
Identifiers: ClinVar variation 906183 (VCV000906183.8), dbSNP rs769840338, ClinGen allele CA3395835.

ClinVar aggregate classification (germline): Conflicting classifications of pathogenicity. Review status: criteria provided, conflicting classifications (1 of 4 stars). 3 submissions from 3 submitters: Uncertain significance (2); Likely benign (1). Last evaluated 2024-12-23.

Conditions:
Familial thoracic aortic aneurysm and aortic dissection (TAAD). Also called: Thoracic aortic aneurysms and dissections. Identifiers: Orphanet 91387, MedGen C4707243, MONDO:0019625.
Congenital contractural arachnodactyly (CCA). Also called: BEALS SYNDROME; Beals-Hecht syndrome; Arthrogryposis, distal, type 9. Identifiers: Orphanet 115, MedGen C0220668, MONDO:0007363, OMIM 121050.

Allele frequency attached by ClinVar (database versions not stated): gnomAD exomes 0.00001 and 0.00002; TOPMed 0.00001; ExAC 0.00003.
gnomAD v4.1: 10 of 1,614,138 alleles (0.00062%); highest among the groups gnomAD compares: Non-Finnish European, 0.00085%; no homozygotes.

Submissions (3):

Ambry Genetics
Classification: Uncertain significance for Familial thoracic aortic aneurysm and aortic dissection. Last evaluated: 2024-12-23. Review status: criteria provided, single submitter. Criteria: Ambry Variant Classification Scheme 2023. Collection method: clinical testing. Allele origin: germline.
Comment: The p.M418T variant (also known as c.1253T>C), located in coding exon 10 of the FBN2 gene, results from a T to C substitution at nucleotide position 1253. The methionine at codon 418 is replaced by threonine, an amino acid with similar properties. This amino acid position is not well conserved in available vertebrate species. In addition, this alteration is predicted to be tolerated by in silico analysis. Based on the available evidence, the clinical significance of this variant remains unclear.

Labcorp Genetics (formerly Invitae), Labcorp
Classification: Likely benign for Congenital contractural arachnodactyly. Last evaluated: 2024-08-13. Review status: criteria provided, single submitter. Criteria: Invitae Variant Classification Sherloc (09022015). Collection method: clinical testing. Allele origin: germline.

Illumina Laboratory Services, Illumina
Classification: Uncertain significance for Congenital contractural arachnodactyly. Last evaluated: 2018-01-12. Review status: criteria provided, single submitter. Criteria: ICSL Variant Classification Criteria 13 December 2019. Collection method: clinical testing. Allele origin: germline.